The following is an entry in ClinVar:

ClinVar aggregate classification (germline): Pathogenic (1 of 4 stars; one submission).

Conditions:
Duchenne muscular dystrophy (DMD). Also called: MUSCULAR DYSTROPHY, PSEUDOHYPERTROPHIC PROGRESSIVE, DUCHENNE TYPE; Duchenne Muscular Dystrophy (DMD). Identifiers: Orphanet 98896, MedGen C0013264, MONDO:0010679, OMIM 310200.

Submission:

Labcorp Genetics (formerly Invitae), Labcorp
Classification: Pathogenic for Duchenne muscular dystrophy. Last evaluated: 2018-05-03. Review status: criteria provided, single submitter. Criteria: Invitae Variant Classification Sherloc (09022015). Collection method: clinical testing. Allele origin: germline.
Comment: This variant is an out-of-frame deletion of the genomic region encompassing exons 10-11 of the DMD gene. This is expected to create a premature translational stop signal and result in an absent or disrupted protein product. A similar deletion of exons 10-11 has been reported in several individuals affected with Duchenne muscular dystrophy (PMID: 7668256, 15655674, 27206868). Loss-of-function variants in DMD are known to be pathogenic (PMID: 16770791, 25007885). For these reasons, this variant has been classified as Pathogenic.

Literature cited by the submitters: PubMed 27206868; PubMed 15655674; PubMed 7668256.

NC_000023.11:g.(?_32644112)_(32651077_?)del

Gene: DMD (dystrophin; minus strand). Cytogenetic location: Xp21.1.
Variant type: Deletion.
Identifiers: ClinVar variation 583494 (VCV000583494.1).